The following is an entry in ClinVar:

NM_003072.5(SMARCA4):c.1597G>A (p.Glu533Lys)

Gene: SMARCA4 (SWI/SNF related BAF chromatin remodeling complex subunit ATPase 4; plus strand). Cytogenetic location: 19p13.2.
Variant type: single nucleotide variant.
Coding change: c.1597G>A on transcript NM_003072.5 (MANE Select); coding-DNA position 1597, G replaced by A.
Protein change: p.Glu533Lys; replaces glutamic acid 533 with lysine.
Molecular consequence: missense variant. On other transcripts: non-coding transcript variant (1).
Genome position (GRCh38, 1-based): chr19:10,996,216, G>A. VCF-style: chr19-10996216-G-A. GRCh37 (hg19) VCF-style: chr19-11106892-G-A.
Other names: c.1597G>A, p.Glu533Lys (NM_001128844.3, NM_001128845.2, NM_001128846.2 and 6 more transcripts); short protein forms E533K.
Identifiers: ClinVar variation 4531702 (VCV004531702.1).

ClinVar aggregate classification (germline): Likely pathogenic (1 of 4 stars; one submission).

Conditions:
Intellectual disability, autosomal dominant 16 (CSS4). Also called: COFFIN-SIRIS SYNDROME 4. Identifiers: Orphanet 1465, MedGen C3553249, MONDO:0013821, OMIM 614609.

Submission:

Victorian Clinical Genetics Services, Murdoch Childrens Research Institute
Classification: Likely pathogenic for Intellectual disability, autosomal dominant 16. Last evaluated: 2025-09-14. Review status: criteria provided, single submitter. Criteria: ACMG Guidelines, 2015. Collection method: clinical testing. Allele origin: germline. Affected: yes.
Comment: This variant is classified as Likely pathogenic. Evidence in support of pathogenic classification: Variant is absent from gnomAD (v2, v3 and v4); Missense variant in a region that is highly intolerant to missense variation (high constraint region in DECIPHER); Additional information: Variant is predicted to result in a missense amino acid change from Glu to Lys; This variant is heterozygous; This gene is associated with autosomal dominant disease; This variant has no previous evidence of pathogenicity; No published evidence of segregation with disease has been identified for this variant; No published functional evidence has been identified for this variant; No comparable missense variants have previous evidence for pathogenicity; Missense variant with inconclusive in silico prediction and uninformative conservation; Dominant negative or gain of function are likely mechanisms of disease in this gene and are associated with Coffin-Siris syndrome 4 (MIM#614609) (PMID: 23556151). However, susceptibility to rhabdoid tumor predisposition syndrome 2 (MIM#613325) is associated with loss of function variants (OMIM, PMID: 22426308).

Literature cited by the submitters: PubMed 22426308; PubMed 23556151.